The following is an entry in ClinVar:

NM_006206.6(PDGFRA):c.1287G>A (p.Gly429=)

Gene: PDGFRA (platelet derived growth factor receptor alpha; plus strand). Cytogenetic location: 4q12.
Variant type: single nucleotide variant.
Coding change: c.1287G>A on transcript NM_006206.6 (MANE Select); coding-DNA position 1287, G replaced by A.
Protein change: p.Gly429=; no amino-acid change (glycine 429 retained).
Molecular consequence: synonymous variant.
Genome position (GRCh38, 1-based): chr4:54,272,443, G>A. VCF-style: chr4-54272443-G-A. GRCh37 (hg19) VCF-style: chr4-55138610-G-A.
Other names: c.1287G>A, p.Gly429= (NM_001347827.2, NM_001347829.2); c.1362G>A, p.Gly454= (NM_001347828.2); c.1326G>A, p.Gly442= (NM_001347830.2).
Identifiers: ClinVar variation 414505 (VCV000414505.21), dbSNP rs762230704, ClinGen allele CA2922514.

ClinVar aggregate classification (germline): Conflicting classifications of pathogenicity. Review status: criteria provided, conflicting classifications (1 of 4 stars). 2 submissions from 2 submitters: Uncertain significance (1); Likely benign (1). Last evaluated 2025-10-13.

Conditions:
Gastrointestinal stromal tumor. Also called: Gastrointestinal stroma tumor; Gastrointestinal stromal tumor, somatic. Identifiers: Orphanet 44890, MedGen C0238198, MeSH D046152, MONDO:0011719, OMIM 606764, HP:0100723.
Hereditary cancer-predisposing syndrome. Also called: Neoplastic Syndromes, Hereditary; Hereditary Cancer Syndrome; Hereditary neoplastic syndrome; Tumor predisposition. Identifiers: Orphanet 140162, MedGen C0027672, MeSH D009386, MONDO:0015356.

Allele frequency attached by ClinVar (database versions not stated): gnomAD exomes below 0.00001 and 0.00001; TOPMed below 0.00001; ExAC 0.00001.
gnomAD v4.1: 3 of 1,613,946 alleles (0.00019%); highest among the groups gnomAD compares: Non-Finnish European, 0.00025%; no homozygotes.

Submissions (2):

Labcorp Genetics (formerly Invitae), Labcorp
Classification: Likely benign for Gastrointestinal stromal tumor. Last evaluated: 2025-10-13. Review status: criteria provided, single submitter. Criteria: Invitae Variant Classification Sherloc (09022015). Collection method: clinical testing. Allele origin: germline.

Ambry Genetics
Classification: Uncertain significance for Hereditary cancer-predisposing syndrome. Last evaluated: 2025-05-16. Review status: criteria provided, single submitter. Criteria: Ambry Variant Classification Scheme 2023. Collection method: clinical testing. Allele origin: germline.
Comment: The c.1287G>A variant (also known as p.G429G), located in coding exon 8 of the PDGFRA gene, results from a G to A substitution at nucleotide position 1287. This nucleotide substitution does not change the glycine at codon 429. This nucleotide position is not well conserved in available vertebrate species. In silico splice site analysis for this alteration is inconclusive. Based on the available evidence, the clinical significance of this variant remains unclear.